The following is an entry in ClinVar:

ClinVar aggregate classification (germline): Uncertain significance (1 of 4 stars; one submission).

Conditions:
Hajdu-Cheney syndrome (HJCYS). Also called: ACROOSTEOLYSIS WITH OSTEOPOROSIS AND CHANGES IN SKULL AND MANDIBLE; SERPENTINE FIBULA-POLYCYSTIC KIDNEY SYNDROME; Acroosteolysis dominant type. Identifiers: Orphanet 955, MedGen C0917715, MONDO:0007057, OMIM 102500.

Submission:

Laboratory of Medical Genetics, National & Kapodistrian University of Athens
Classification: Uncertain significance for Hajdu-Cheney syndrome. Last evaluated: 2022-07-22. Review status: criteria provided, single submitter. Criteria: ACMG Guidelines, 2015. Collection method: clinical testing. Allele origin: germline. Affected: yes.
Comment: PM2, PP3

NM_024408.4(NOTCH2):c.1004G>A (p.Cys335Tyr)

Gene: NOTCH2 (notch receptor 2; minus strand). Cytogenetic location: 1p12.
Variant type: single nucleotide variant.
Coding change: c.1004G>A on transcript NM_024408.4 (MANE Select); coding-DNA position 1004, G replaced by A.
Protein change: p.Cys335Tyr; replaces cysteine 335 with tyrosine.
Molecular consequence: missense variant.
Genome position (GRCh38, 1-based): chr1:119,969,615, C>T on the plus strand (G>A on the coding strand, the complement: NOTCH2 is on the minus strand). VCF-style: chr1-119969615-C-T. GRCh37 (hg19) VCF-style: chr1-120512238-C-T.
Other names: c.1004G>A, p.Cys335Tyr (NM_001200001.2); short protein forms C335Y.
Identifiers: ClinVar variation 1708122 (VCV001708122.1), dbSNP rs2101148290, ClinGen allele CA341882835.